The following is an entry in ClinVar:

ClinVar aggregate classification (germline): Likely benign. Review status: criteria provided, multiple submitters, no conflicts (2 of 4 stars). 3 submissions from 3 submitters: Likely benign (3). Last evaluated 2025-08-26.

Conditions:
Hereditary cancer-predisposing syndrome. Also called: Neoplastic Syndromes, Hereditary; Tumor predisposition; Hereditary neoplastic syndrome; Hereditary Cancer Syndrome. Identifiers: Orphanet 140162, MedGen C0027672, MeSH D009386, MONDO:0015356.
Breast-ovarian cancer, familial, susceptibility to, 4. Identifiers: Orphanet 145, MedGen C3280345, MONDO:0013669, OMIM 614291.

Allele frequency attached by ClinVar (database versions not stated): gnomAD exomes below 0.00001.
gnomAD v4.1: 1 of 1,597,926 alleles (0.000063%); highest among the groups gnomAD compares: Non-Finnish European, 0.000086%; no homozygotes.

Submissions (3):

Labcorp Genetics (formerly Invitae), Labcorp
Classification: Likely benign for Breast-ovarian cancer, familial, susceptibility to, 4. Last evaluated: 2025-08-26. Review status: criteria provided, single submitter. Criteria: Invitae Variant Classification Sherloc (09022015). Collection method: clinical testing. Allele origin: germline.

Myriad Genetics, Inc.
Classification: Likely benign for Breast-ovarian cancer, familial, susceptibility to, 4. Last evaluated: 2025-02-20. Review status: criteria provided, single submitter. Criteria: Myriad Autosomal Dominant, Autosomal Recessive and X-Linked Classification Criteria (2023). Collection method: clinical testing. Allele origin: unknown.
Comment: This variant is considered likely benign. This variant is intronic and is not expected to impact mRNA splicing.

Color Diagnostics, LLC DBA Color Health
Classification: Likely benign for Hereditary cancer-predisposing syndrome. Last evaluated: 2018-03-24. Review status: criteria provided, single submitter. Criteria: ACMG Guidelines, 2015. Collection method: clinical testing. Allele origin: germline.

NM_002878.4(RAD51D):c.145-18T>C

Genes: RAD51L3-RFFL (RAD51L3-RFFL readthrough; minus strand), RAD51D (RAD51 paralog D; minus strand). Cytogenetic location: 17q12.
Variant type: single nucleotide variant.
Coding change: c.145-18T>C on transcript NM_002878.4 (MANE Select); 18 bases into the intron before coding-DNA position 145, T replaced by C.
Molecular consequence: intron variant.
Genome position (GRCh38, 1-based): chr17:35,118,637, A>G on the plus strand (T>C on the coding strand, the complement: RAD51D is on the minus strand). VCF-style: chr17-35118637-A-G. GRCh37 (hg19) VCF-style: chr17-33445656-A-G.
Other names: c.144+474T>C (NM_133629.3, NM_001142571.2).
Identifiers: ClinVar variation 628025 (VCV000628025.11), dbSNP rs1567735483, ClinGen allele CA913188831.